The following is an entry in ClinVar:

ClinVar aggregate classification (germline): Uncertain significance (1 of 4 stars; one submission).

Conditions:
Inborn genetic diseases. Identifiers: MedGen C0950123, MeSH D030342.

Submission:

Ambry Genetics
Classification: Uncertain significance for Inborn genetic diseases. Last evaluated: 2025-03-22. Review status: criteria provided, single submitter. Criteria: Ambry Variant Classification Scheme 2023. Collection method: clinical testing. Allele origin: germline.
Comment: The p.Q1142K variant (also known as c.3424C>A), located in coding exon 13 of the ASXL1 gene, results from a C to A substitution at nucleotide position 3424. The glutamine at codon 1142 is replaced by lysine, an amino acid with similar properties. This amino acid position is conserved. In addition, this alteration is predicted to be tolerated by in silico analysis. Based on the available evidence, the clinical significance of this variant remains unclear.

NM_015338.6(ASXL1):c.3424C>A (p.Gln1142Lys)

Gene: ASXL1 (ASXL transcriptional regulator 1; plus strand). Cytogenetic location: 20q11.21.
Variant type: single nucleotide variant.
Coding change: c.3424C>A on transcript NM_015338.6 (MANE Select); coding-DNA position 3424, C replaced by A.
Protein change: p.Gln1142Lys; replaces glutamine 1142 with lysine.
Molecular consequence: missense variant.
Genome position (GRCh38, 1-based): chr20:32,436,136, C>A. VCF-style: chr20-32436136-C-A. GRCh37 (hg19) VCF-style: chr20-31023939-C-A.
Other names: c.3241C>A, p.Gln1081Lys (NM_001363734.1); short protein forms Q1081K, Q1142K.
Identifiers: ClinVar variation 3955087 (VCV003955087.1).